The following is an entry in ClinVar:

NM_001367624.2(ZNF469):c.1409C>G (p.Pro470Arg)

Gene: ZNF469 (zinc finger protein 469; plus strand). Cytogenetic location: 16q24.2.
Variant type: single nucleotide variant.
Coding change: c.1409C>G on transcript NM_001367624.2 (MANE Select); coding-DNA position 1409, C replaced by G.
Protein change: p.Pro470Arg; replaces proline 470 with arginine.
Molecular consequence: missense variant.
Genome position (GRCh38, 1-based): chr16:88,428,879, C>G. VCF-style: chr16-88428879-C-G. GRCh37 (hg19) VCF-style: chr16-88495287-C-G.
Other names: NM_001127464.1:c.1409C>G; short protein forms P470R.
Identifiers: ClinVar variation 1303659 (VCV001303659.2), dbSNP rs1383423927, ClinGen allele CA397066622.
Genomic context (GRCh38, chr16:88,428,879, plus strand): 5'-CACCTCCTGGGGGCCCCCTGGCTGCCACCAGGAGTATGTTCTTTAACGGCCAGCCCAGCC[C>G]AGGCCAGCGGCTCTGCCTCCCCCAGAGTGCCCCCCTGCCTTGGCCCCAAGTGCTCCCGAC-3'
Protein context (NP_001354553.1, residues 460-480): RSMFFNGQPS[Pro470Arg]GQRLCLPQSA

ClinVar aggregate classification (germline): Uncertain significance (1 of 4 stars; one submission).

Allele frequency attached by ClinVar (database versions not stated): TOPMed below 0.00001; gnomAD 0.00001.

Submission:

GeneDx
Classification: Uncertain significance. Last evaluated: 2021-05-21. Review status: criteria provided, single submitter. Criteria: GeneDx Variant Classification Process June 2021. Collection method: clinical testing. Allele origin: germline. Affected: yes.
Comment: Not observed in large population cohorts (Lek et al., 2016); In silico analysis, which includes protein predictors and evolutionary conservation, supports that this variant does not alter protein structure/function; Has not been previously published as pathogenic or benign to our knowledge